The following is an entry in ClinVar:

NM_000153.4(GALC):c.1260dup (p.Pro421fs)

Gene: GALC (galactosylceramidase; minus strand). Cytogenetic location: 14q31.3.
Variant type: Duplication.
Coding change: c.1260dup on transcript NM_000153.4 (MANE Select); coding-DNA position 1260, one base duplicated (A; older notation c.1260dupA).
Protein change: p.Pro421fs; shifts the reading frame from proline 421.
Molecular consequence: frameshift variant. On other transcripts: non-coding transcript variant (1).
Genome position (GRCh38, 1-based): chr14:87,949,923, T duplicated on the plus strand (A on the coding strand, the reverse complement: GALC is on the minus strand). VCF-style (leftmost placement, unchanged base first): chr14-87949922-G-GT. GRCh37 (hg19) VCF-style: chr14-88416266-G-GT.
Other names: c.1191dup, p.Pro398fs (NM_001201401.2); c.1182dup, p.Pro395fs (NM_001201402.2); c.1092dup, p.Pro365fs (NM_001424071.1, NM_001424072.1, NM_001424073.1); c.912dup, p.Pro305fs (NM_001424074.1, NM_001424075.1); c.627dup, p.Pro210fs (NM_001424076.1, NM_001424077.1); short protein forms P210fs, P305fs, P365fs, P395fs, P398fs, P421fs.
Identifiers: ClinVar variation 5014498 (VCV005014498.1).

ClinVar aggregate classification (germline): Pathogenic (1 of 4 stars; one submission).

Conditions:
Galactosylceramide beta-galactosidase deficiency. Also called: GALACTOCEREBROSIDASE DEFICIENCY; GALC DEFICIENCY; GLOBOID CELL LEUKOENCEPHALOPATHY; Leukodystrophy, Globoid Cell; Krabbe Disease. Identifiers: Orphanet 487, MedGen C0023521, MONDO:0009499, OMIM 245200.

Submission:

Myriad Genetics, Inc.
Classification: Pathogenic for Galactosylceramide beta-galactosidase deficiency. Last evaluated: 2025-05-23. Review status: criteria provided, single submitter. Criteria: Myriad Autosomal Dominant, Autosomal Recessive and X-Linked Classification Criteria (2023). Collection method: clinical testing. Allele origin: unknown.
Comment: NM_000153.3(GALC):c.1260dupA(P421Tfs*20) is expected to be pathogenic in the context of Krabbe disease. This variant is predicted to lead to an abnormal or absent protein product due to the creation of a premature termination codon in GALC, a gene where loss-of-function variants are known to be pathogenic. Please note: this variant was assessed in the context of healthy population screening.